The following is an entry in ClinVar:

ClinVar aggregate classification (germline): Uncertain significance. Review status: criteria provided, multiple submitters, no conflicts (2 of 4 stars). 4 submissions from 4 submitters: Uncertain significance (4). Last evaluated 2025-04-09.

Conditions:
Dilated cardiomyopathy 1DD (CMD1DD). Identifiers: Orphanet 154, MedGen C2750995, MONDO:0013168, OMIM 613172.
Cardiovascular phenotype. Identifiers: MedGen CN230736.

Allele frequency attached by ClinVar (database versions not stated): gnomAD 0.00001; gnomAD exomes 0.00002; TOPMed 0.00002.
gnomAD v4.1: 11 of 1,551,834 alleles (0.00071%); highest among the groups gnomAD compares: Non-Finnish European, 0.00096%; no homozygotes.

Submissions (4):

Molecular Diagnostic Laboratory for Inherited Cardiovascular Disease, Montreal Heart Institute
Classification: Uncertain significance for Cardiovascular phenotype. Last evaluated: 2025-04-09. Review status: criteria provided, single submitter. Criteria: ACMG Guidelines, 2015. Collection method: clinical testing. Allele origin: germline. Affected: yes.
Comment: PM2, PS4_supp

Blueprint Genetics
Classification: Uncertain significance. Last evaluated: 2024-04-11. Review status: criteria provided, single submitter. Criteria: ACMG Guidelines, 2015. Collection method: clinical testing. Allele origin: germline.

GeneDx
Classification: Uncertain significance. Last evaluated: 2022-11-20. Review status: criteria provided, single submitter. Criteria: GeneDx Variant Classification Process June 2021. Collection method: clinical testing. Allele origin: germline. Affected: yes.
Comment: Not observed at significant frequency in large population cohorts (gnomAD); In silico analysis supports that this missense variant has a deleterious effect on protein structure/function; Has not been previously published as pathogenic or benign to our knowledge

Labcorp Genetics (formerly Invitae), Labcorp
Classification: Uncertain significance for Dilated cardiomyopathy 1DD. Last evaluated: 2019-03-13. Review status: criteria provided, single submitter. Criteria: Invitae Variant Classification Sherloc (09022015). Collection method: clinical testing. Allele origin: germline.
Comment: In summary, the available evidence is currently insufficient to determine the role of this variant in disease. Therefore, it has been classified as a Variant of Uncertain Significance. This sequence change replaces proline with threonine at codon 140 of the RBM20 protein (p.Pro140Thr). The proline residue is weakly conserved and there is a small physicochemical difference between proline and threonine. This variant is not present in population databases (ExAC no frequency). This variant has not been reported in the literature in individuals with RBM20-related conditions. Algorithms developed to predict the effect of missense changes on protein structure and function are either unavailable or do not agree on the potential impact of this missense change (SIFT: "Not Available"; PolyPhen-2: "Probably Damaging"; Align-GVGD: "Class C0").

NM_001134363.3(RBM20):c.418C>A (p.Pro140Thr)

Gene: RBM20 (RNA binding motif protein 20; plus strand). Cytogenetic location: 10q25.2.
Variant type: single nucleotide variant.
Coding change: c.418C>A on transcript NM_001134363.3 (MANE Select); coding-DNA position 418, C replaced by A.
Protein change: p.Pro140Thr; replaces proline 140 with threonine.
Molecular consequence: missense variant.
Genome position (GRCh38, 1-based): chr10:110,781,027, C>A. VCF-style: chr10-110781027-C-A. GRCh37 (hg19) VCF-style: chr10-112540785-C-A.
Other names: c.418C>A (NM_001134363.1); short protein forms P140T.
Identifiers: ClinVar variation 848995 (VCV000848995.12), dbSNP rs1416612925, ClinGen allele CA378380158.